The following is an entry in ClinVar:

NM_080424.4(SP110):c.989C>T (p.Thr330Met)

Genes: SP110 (SP110 nuclear body protein; minus strand), SP140 (SP140 nuclear body protein; plus strand). Cytogenetic location: 2q37.1.
Variant type: single nucleotide variant.
Coding change: c.989C>T on transcript NM_080424.4 (MANE Select); coding-DNA position 989, C replaced by T.
Protein change: p.Thr330Met; replaces threonine 330 with methionine.
Molecular consequence: missense variant. On other transcripts: intron variant (1).
Genome position (GRCh38, 1-based): chr2:230,202,638, G>A on the plus strand (C>T on the coding strand, the complement: SP110 is on the minus strand). VCF-style: chr2-230202638-G-A. GRCh37 (hg19) VCF-style: chr2-231067354-G-A.
Other names: c.1007C>T, p.Thr336Met (NM_001185015.2, NM_001378442.1, NM_001378444.1 and 2 more transcripts); c.989C>T, p.Thr330Met (NM_001378443.1, NM_004509.5, NM_004510.4); c.899-1673C>T (NM_001378447.1); short protein forms T336M, T330M.
Identifiers: ClinVar variation 898427 (VCV000898427.14), dbSNP rs141019373, ClinGen allele CA2154668.
Genomic context (GRCh38, chr2:230,202,638, plus strand): 5'-CCCTCTGATCTCGACTTTCGGGCACATTCAGTTCTCGCCTTTTGGGCCCTTGTCTCTACC[G>A]TGGAGTTACAAGTTGAGTCATCTTTCTTTTGAGGAACCTGATCCACCCTTTTGAGCTTCT-3'
Protein context (NP_536349.3, residues 320-340): QKKDDSTCNS[Thr330Met]VETRAQKART

ClinVar aggregate classification (germline): Benign/Likely benign. Review status: criteria provided, multiple submitters, no conflicts (2 of 4 stars). 4 submissions from 4 submitters: Benign (1); Likely benign (3). Last evaluated 2026-08-01.

Conditions:
Hepatic veno-occlusive disease-immunodeficiency syndrome. Also called: Hepatic Veno-Occlusive Disease with Immunodeficiency. Identifiers: Orphanet 79124, MedGen C1856128, MONDO:0009338, OMIM 235550. Disease mechanism: loss of function.

Allele frequency attached by ClinVar (database versions not stated): gnomAD 0.00002 and 0.00021; TOPMed 0.00002; gnomAD exomes 0.00093; ExAC 0.00097; 1000 Genomes Project 0.00120; 1000 Genomes Project 30x 0.00141.
gnomAD v4.1: 661 of 1,613,972 alleles (0.041%); highest among the groups gnomAD compares: South Asian, 0.66%; 8 homozygotes.

Submissions (4):

CeGaT Center for Human Genetics Tuebingen
Classification: Likely benign. Last evaluated: 2026-08-01. Review status: criteria provided, single submitter. Criteria: CeGaT Center For Human Genetics Tuebingen Variant Classification Criteria Version 2. Collection method: clinical testing. Allele origin: germline. Affected: yes. Observed: 1 variant allele.
Comment: SP110: BP4, BS1

Labcorp Genetics (formerly Invitae), Labcorp
Classification: Benign for Hepatic veno-occlusive disease-immunodeficiency syndrome. Last evaluated: 2026-01-24. Review status: criteria provided, single submitter. Criteria: Invitae Variant Classification Sherloc (09022015). Collection method: clinical testing. Allele origin: germline.

Illumina Laboratory Services, Illumina
Classification: Likely benign for Hepatic veno-occlusive disease-immunodeficiency syndrome. Last evaluated: 2018-01-13. Review status: criteria provided, single submitter. Criteria: ICSL Variant Classification Criteria 13 December 2019. Collection method: clinical testing. Allele origin: germline.
Comment: This variant was observed in the ICSL laboratory as part of a predisposition screen in an ostensibly healthy population. It had not been previously curated by ICSL or reported in the Human Gene Mutation Database (HGMD: prior to June 1st, 2018), and was therefore a candidate for classification through an automated scoring system. Utilizing variant allele frequency, disease prevalence and penetrance estimates, and inheritance mode, an automated score was calculated to assess if this variant is too frequent to cause the disease. Based on the score and internal cut-off values, a variant classified as likely benign is not then subjected to further curation. The score for this variant resulted in a classification of likely benign for this disease.

Breakthrough Genomics
Classification: Likely benign. Review status: criteria provided, single submitter. Criteria: ACMG Guidelines, 2015. Collection method: not provided. Allele origin: germline. Inheritance: Autosomal recessive inheritance. Affected: yes.